The following is an entry in ClinVar:

NM_152517.3(IFT70B):c.701T>C (p.Ile234Thr)

Gene: IFT70B (intraflagellar transport 70B; minus strand). Cytogenetic location: 2q31.2.
Variant type: single nucleotide variant.
Coding change: c.701T>C on transcript NM_152517.3 (MANE Select); coding-DNA position 701, T replaced by C.
Protein change: p.Ile234Thr; replaces isoleucine 234 with threonine.
Molecular consequence: missense variant.
Genome position (GRCh38, 1-based): chr2:177,552,063, A>G on the plus strand (T>C on the coding strand, the complement: IFT70B is on the minus strand). VCF-style: chr2-177552063-A-G. GRCh37 (hg19) VCF-style: chr2-178416791-A-G.
Other names: short protein forms I234T.
Identifiers: ClinVar variation 3038392 (VCV003038392.16), dbSNP rs186277187, ClinGen allele CA1980732.

ClinVar aggregate classification (germline): Likely benign. Review status: criteria provided, single submitter (1 of 4 stars). 2 submissions from 2 submitters: Likely benign (1). 1 of the submissions does not count toward it. Last evaluated 2025-06-01.

Conditions:
IFT70B-related disorder. Also called: IFT70B-related condition.

Allele frequency attached by ClinVar (database versions not stated): 1000 Genomes Project 0.00180; 1000 Genomes Project 30x 0.00203; ExAC 0.00282; gnomAD 0.00320; TOPMed 0.00327; ESP Exome Variant Server 0.00377; gnomAD exomes 0.00486.
gnomAD v4.1: 7,623 of 1,614,208 alleles (0.47%); highest among the groups gnomAD compares: Non-Finnish European, 0.59%; 26 homozygotes.

Submissions (2):

CeGaT Center for Human Genetics Tuebingen
Classification: Likely benign. Last evaluated: 2025-06-01. Review status: criteria provided, single submitter. Criteria: CeGaT Center For Human Genetics Tuebingen Variant Classification Criteria Version 2. Collection method: clinical testing. Allele origin: germline. Affected: yes. Observed: 3 variant alleles.
Comment: IFT70B: BS2

PreventionGenetics, part of Exact Sciences
Classification: Likely benign for IFT70B-related condition. Last evaluated: 2022-01-31. Review status: no assertion criteria provided. Collection method: clinical testing. Allele origin: germline. Not counted in ClinVar's aggregate classification.
Comment: This variant is classified as likely benign based on ACMG/AMP sequence variant interpretation guidelines (Richards et al. 2015 PMID: 25741868, with internal and published modifications).